The following is an entry in ClinVar:

NM_133459.4(CCBE1):c.1172G>A (p.Arg391Lys)

Gene: CCBE1 (collagen and calcium binding EGF domains 1; minus strand). Cytogenetic location: 18q21.32.
Variant type: single nucleotide variant.
Coding change: c.1172G>A on transcript NM_133459.4 (MANE Select); coding-DNA position 1172, G replaced by A.
Protein change: p.Arg391Lys; replaces arginine 391 with lysine.
Molecular consequence: missense variant.
Genome position (GRCh38, 1-based): chr18:59,435,957, C>T on the plus strand (G>A on the coding strand, the complement: CCBE1 is on the minus strand). VCF-style: chr18-59435957-C-T. GRCh37 (hg19) VCF-style: chr18-57103189-C-T.
Other names: c.1172G>A (NM_133459.3); short protein forms R391K.
Identifiers: ClinVar variation 1361365 (VCV001361365.7), dbSNP rs150717489, ClinGen allele CA8980159.

ClinVar aggregate classification (germline): Conflicting classifications of pathogenicity. Review status: criteria provided, conflicting classifications (1 of 4 stars). 2 submissions from 2 submitters: Uncertain significance (1); Likely benign (1). Last evaluated 2025-05-16.

Conditions:
Inborn genetic diseases. Identifiers: MedGen C0950123, MeSH D030342.

Allele frequency attached by ClinVar (database versions not stated): gnomAD exomes below 0.00001; ExAC 0.00002; gnomAD 0.00004; ESP Exome Variant Server 0.00008; TOPMed 0.00003.
gnomAD v4.1: 16 of 1,613,988 alleles (0.00099%); highest among the groups gnomAD compares: African/African-American, 0.0053%; no homozygotes.

Submissions (2):

Ambry Genetics
Classification: Likely benign for Inborn genetic diseases. Last evaluated: 2025-05-16. Review status: criteria provided, single submitter. Criteria: Ambry Variant Classification Scheme 2023. Collection method: clinical testing. Allele origin: germline.

Labcorp Genetics (formerly Invitae), Labcorp
Classification: Uncertain significance. Last evaluated: 2021-06-01. Review status: criteria provided, single submitter. Criteria: Invitae Variant Classification Sherloc (09022015). Collection method: clinical testing. Allele origin: germline.
Comment: This sequence change replaces arginine with lysine at codon 391 of the CCBE1 protein (p.Arg391Lys). The arginine residue is weakly conserved and there is a small physicochemical difference between arginine and lysine. This variant is present in population databases (rs150717489, ExAC 0.01%). In summary, the available evidence is currently insufficient to determine the role of this variant in disease. Therefore, it has been classified as a Variant of Uncertain Significance. Algorithms developed to predict the effect of missense changes on protein structure and function output the following: SIFT: "Tolerated"; PolyPhen-2: "Benign"; Align-GVGD: "Class C0". The lysine amino acid residue is found in multiple mammalian species, suggesting that this missense change does not adversely affect protein function. These predictions have not been confirmed by published functional studies and their clinical significance is uncertain. This variant has not been reported in the literature in individuals with CCBE1-related conditions.